The following is an entry in ClinVar:

NM_001242896.3(DEPDC5):c.920T>G (p.Leu307Arg)

Gene: DEPDC5 (DEP domain containing 5, GATOR1 subcomplex subunit; plus strand). Cytogenetic location: 22q12.2.
Variant type: single nucleotide variant.
Coding change: c.920T>G on transcript NM_001242896.3 (MANE Select); coding-DNA position 920, T replaced by G.
Protein change: p.Leu307Arg; replaces leucine 307 with arginine.
Molecular consequence: missense variant. On other transcripts: non-coding transcript variant (5).
Genome position (GRCh38, 1-based): chr22:31,798,630, T>G. VCF-style: chr22-31798630-T-G. GRCh37 (hg19) VCF-style: chr22-32194616-T-G.
Other names: c.920T>G, p.Leu307Arg (NM_001007188.4, NM_001136029.4, NM_001242897.2 and 7 more transcripts); c.836T>G, p.Leu279Arg (NM_001369901.1, NM_001369902.1); short protein forms L307R, L279R.
Identifiers: ClinVar variation 951672 (VCV000951672.11), dbSNP rs752537116, ClinGen allele CA10196160.

ClinVar aggregate classification (germline): Uncertain significance. Review status: criteria provided, multiple submitters, no conflicts (2 of 4 stars). 3 submissions from 3 submitters: Uncertain significance (3). Last evaluated 2024-08-06.

Conditions:
Epilepsy, familial focal, with variable foci 1 (FFEVF1). Also called: DEPDC5-Related Epilepsy. Identifiers: MedGen C4551983, MONDO:0024556, OMIM 604364.
Familial focal epilepsy with variable foci (FPEVF). Identifiers: Orphanet 98820, MedGen C1858477, MONDO:0020310.

Allele frequency attached by ClinVar (database versions not stated): gnomAD exomes below 0.00001 and 0.00001; ExAC 0.00001.

Submissions (3):

Clinical Genomics Laboratory, Washington University in St. Louis
Classification: Uncertain significance for Epilepsy, familial focal, with variable foci 1. Last evaluated: 2024-08-06. Review status: criteria provided, single submitter. Criteria: ACMG Guidelines, 2015. Collection method: clinical testing. Allele origin: germline.
Comment: A DEPDC5 c.920T>G (p.Leu307Arg) variant was identified at a near heterozygous allelic fraction of 47.4%, a frequency which may be consistent with it being of germline origin. This variant, to our knowledge, has not been reported in the medical literature. This variant has been reported in the ClinVar database as a germline variant of uncertain significance by one submitter (ClinVar Variation ID: 951672). This variant is only observed on 10/1,611,744 alleles in the general population (gnomAD v4.1.0), indicating it is not a common variant. Computational predictors indicate that the variant is damaging, evidence that correlates with impact to DEPDC5 function. Due to limited information, and based on ACMG/AMP guidelines for variant interpretation (Richards S et al., PMID: 25741868), the clinical significance of the DEPDC5 c.920T>G (p.Leu307Arg) variant is uncertain at this time.

Labcorp Genetics (formerly Invitae), Labcorp
Classification: Uncertain significance for Familial focal epilepsy with variable foci. Last evaluated: 2023-09-15. Review status: criteria provided, single submitter. Criteria: Invitae Variant Classification Sherloc (09022015). Collection method: clinical testing. Allele origin: germline.
Comment: In summary, the available evidence is currently insufficient to determine the role of this variant in disease. Therefore, it has been classified as a Variant of Uncertain Significance. Experimental studies and prediction algorithms are not available or were not evaluated, and the functional significance of this variant is currently unknown. ClinVar contains an entry for this variant (Variation ID: 951672). This variant has not been reported in the literature in individuals affected with DEPDC5-related conditions. This variant is present in population databases (rs752537116, gnomAD 0.003%). This sequence change replaces leucine, which is neutral and non-polar, with arginine, which is basic and polar, at codon 307 of the DEPDC5 protein (p.Leu307Arg).

Blueprint Genetics
Classification: Uncertain significance. Last evaluated: 2022-06-08. Review status: criteria provided, single submitter. Criteria: ACMG Guidelines, 2015. Collection method: clinical testing. Allele origin: germline.